The following is an entry in ClinVar:

ClinVar aggregate classification (germline): Uncertain significance (0 of 4 stars; one submission).

Conditions:
CDAN1-related disorder. Also called: CDAN1-related condition.

gnomAD v4.1: 1 of 1,560,422 alleles (0.000064%); highest among the groups gnomAD compares: East Asian, 0.0024%; no homozygotes.

Submission:

PreventionGenetics, part of Exact Sciences
Classification: Uncertain significance for CDAN1-related condition. Last evaluated: 2023-11-21. Review status: no assertion criteria provided. Collection method: clinical testing. Allele origin: germline.
Comment: The CDAN1 c.3625C>A variant is predicted to result in the amino acid substitution p.Gln1209Lys. To our knowledge, this variant has not been reported in the literature or in a large population database, indicating this variant is rare. At this time, the clinical significance of this variant is uncertain due to the absence of conclusive functional and genetic evidence.

NM_138477.4(CDAN1):c.3625C>A (p.Gln1209Lys)

Gene: CDAN1 (codanin 1; minus strand). Cytogenetic location: 15q15.2.
Variant type: single nucleotide variant.
Coding change: c.3625C>A on transcript NM_138477.4 (MANE Select); coding-DNA position 3625, C replaced by A.
Protein change: p.Gln1209Lys; replaces glutamine 1209 with lysine.
Molecular consequence: missense variant.
Genome position (GRCh38, 1-based): chr15:42,724,550, G>T on the plus strand (C>A on the coding strand, the complement: CDAN1 is on the minus strand). VCF-style: chr15-42724550-G-T. GRCh37 (hg19) VCF-style: chr15-43016748-G-T.
Other names: short protein forms Q1209K.
Identifiers: ClinVar variation 3050070 (VCV003050070.2), dbSNP rs1595847078, ClinGen allele CA392024833.